The following is an entry in ClinVar:

ClinVar aggregate classification (germline): Uncertain significance (1 of 4 stars; one submission).

Conditions:
Immunodeficiency. Identifiers: MedGen C0021051, MONDO:0021094, HP:0002721.

gnomAD v4.1: 4 of 1,614,128 alleles (0.00025%); highest among the groups gnomAD compares: Non-Finnish European, 0.00025%; no homozygotes.

Submission:

Labcorp Genetics (formerly Invitae), Labcorp
Classification: Uncertain significance for Immunodeficiency. Last evaluated: 2023-03-04. Review status: criteria provided, single submitter. Criteria: Invitae Variant Classification Sherloc (09022015). Collection method: clinical testing. Allele origin: germline.
Comment: In summary, the available evidence is currently insufficient to determine the role of this variant in disease. Therefore, it has been classified as a Variant of Uncertain Significance. An algorithm developed to predict the effect of missense changes on protein structure and function (PolyPhen-2) suggests that this variant is likely to be disruptive. This variant has not been reported in the literature in individuals affected with NFAT5-related conditions. This variant is present in population databases (no rsID available, gnomAD no frequency). This sequence change replaces glutamine, which is neutral and polar, with histidine, which is basic and polar, at codon 588 of the NFAT5 protein (p.Gln588His).

NM_138713.4(NFAT5):c.2046G>C (p.Gln682His)

Gene: NFAT5 (nuclear factor of activated T cells 5; plus strand). Cytogenetic location: 16q22.1.
Variant type: single nucleotide variant.
Coding change: c.2046G>C on transcript NM_138713.4 (MANE Select); coding-DNA position 2046, G replaced by C.
Protein change: p.Gln682His; replaces glutamine 682 with histidine.
Molecular consequence: missense variant.
Genome position (GRCh38, 1-based): chr16:69,691,871, G>C. VCF-style: chr16-69691871-G-C. GRCh37 (hg19) VCF-style: chr16-69725774-G-C.
Other names: c.2043G>C, p.Gln681His (NM_001113178.3); c.1371G>C, p.Gln457His (NM_001367709.1); c.1992G>C, p.Gln664His (NM_006599.4); c.1764G>C, p.Gln588His (NM_138714.4, NM_173214.3, NM_173215.3); short protein forms Q457H, Q664H, Q681H, Q588H, Q682H.
Identifiers: ClinVar variation 2875881 (VCV002875881.3), dbSNP rs1050946292, ClinGen allele CA396507107.